The following is an entry in ClinVar:

NM_020461.4(TUBGCP6):c.42C>T (p.Ala14=)

Gene: TUBGCP6 (tubulin gamma complex component 6; minus strand). Cytogenetic location: 22q13.33.
Variant type: single nucleotide variant.
Coding change: c.42C>T on transcript NM_020461.4 (MANE Select); coding-DNA position 42, C replaced by T.
Protein change: p.Ala14=; no amino-acid change (alanine 14 retained).
Molecular consequence: synonymous variant.
Genome position (GRCh38, 1-based): chr22:50,244,418, G>A on the plus strand (C>T on the coding strand, the complement: TUBGCP6 is on the minus strand). VCF-style: chr22-50244418-G-A. GRCh37 (hg19) VCF-style: chr22-50682847-G-A.
Identifiers: ClinVar variation 718377 (VCV000718377.12), dbSNP rs146878404, ClinGen allele CA10309136.
Genomic context (GRCh38, chr22:50,244,418, plus strand): 5'-CTTTGCCCTCTTCCGGTTCACACTGCGCTGGCCCAGGTGAGTCTTGGCAGCCGGCAGGAG[G>A]GCCTCACACAGGTCGTCGAACAGCTGCGTGATGCTGGCCATGCCCCTTCTCAGCTCCGGG-3'
Protein context (NP_065194.3, residues 4-24): ITQLFDDLCE[Ala14=]LLPAAKTHLG

ClinVar aggregate classification (germline): Likely benign. Review status: criteria provided, multiple submitters, no conflicts (2 of 4 stars). 3 submissions from 3 submitters: Likely benign (2). 1 of the submissions does not count toward it. Last evaluated 2025-12-29.

Conditions:
TUBGCP6-related disorder. Also called: TUBGCP6-related condition.

Allele frequency attached by ClinVar (database versions not stated): TOPMed 0.00024.
gnomAD v4.1: 637 of 1,612,882 alleles (0.039%); highest among the groups gnomAD compares: Non-Finnish European, 0.049%; no homozygotes.

Submissions (3):

Labcorp Genetics (formerly Invitae), Labcorp
Classification: Likely benign. Last evaluated: 2025-12-29. Review status: criteria provided, single submitter. Criteria: Invitae Variant Classification Sherloc (09022015). Collection method: clinical testing. Allele origin: germline.

Blueprint Genetics
Classification: Likely benign. Last evaluated: 2024-07-24. Review status: criteria provided, single submitter. Criteria: ACMG Guidelines, 2015. Collection method: clinical testing. Allele origin: germline.

PreventionGenetics, part of Exact Sciences
Classification: Likely benign for TUBGCP6-related condition. Last evaluated: 2019-10-15. Review status: no assertion criteria provided. Collection method: clinical testing. Allele origin: germline. Not counted in ClinVar's aggregate classification.
Comment: This variant is classified as likely benign based on ACMG/AMP sequence variant interpretation guidelines (Richards et al. 2015 PMID: 25741868, with internal and published modifications).